The following is an entry in ClinVar:

NM_001918.5(DBT):c.1018-2A>T

Gene: DBT (dihydrolipoamide branched chain transacylase E2; minus strand). Cytogenetic location: 1p21.2.
Variant type: single nucleotide variant.
Coding change: c.1018-2A>T on transcript NM_001918.5 (MANE Select); the canonical splice acceptor site of the intron before coding-DNA position 1018, A replaced by T.
Molecular consequence: splice acceptor variant.
Genome position (GRCh38, 1-based): chr1:100,206,638, T>A on the plus strand (A>T on the coding strand, the complement: DBT is on the minus strand). VCF-style: chr1-100206638-T-A. GRCh37 (hg19) VCF-style: chr1-100672194-T-A.
Other names: c.475-2A>T (NM_001399972.1, NM_001399969.1).
Identifiers: ClinVar variation 2768960 (VCV002768960.3), dbSNP rs2524109140, ClinGen allele CA341332828.

ClinVar aggregate classification (germline): Likely pathogenic (1 of 4 stars; one submission).

Conditions:
Maple syrup urine disease (MSUD). Identifiers: Orphanet 511, MedGen C0024776, MeSH D008375, MONDO:0009563. Disease mechanism: loss of function.

Submission:

Labcorp Genetics (formerly Invitae), Labcorp
Classification: Likely pathogenic for Maple syrup urine disease. Last evaluated: 2023-10-16. Review status: criteria provided, single submitter. Criteria: Invitae Variant Classification Sherloc (09022015). Collection method: clinical testing. Allele origin: germline.
Comment: This sequence change affects an acceptor splice site in intron 8 of the DBT gene. It is expected to disrupt RNA splicing. Variants that disrupt the donor or acceptor splice site typically lead to a loss of protein function (PMID: 16199547), and loss-of-function variants in DBT are known to be pathogenic (PMID: 16579849, 16786533). This variant is not present in population databases (gnomAD no frequency). This variant has not been reported in the literature in individuals affected with DBT-related conditions. Algorithms developed to predict the effect of sequence changes on RNA splicing suggest that this variant may disrupt the consensus splice site. In summary, the currently available evidence indicates that the variant is pathogenic, but additional data are needed to prove that conclusively. Therefore, this variant has been classified as Likely Pathogenic.

Literature cited by the submitters: PubMed 16199547; PubMed 16579849; PubMed 16786533.